The following is an entry in ClinVar:

ClinVar aggregate classification (germline): Uncertain significance (1 of 4 stars; one submission).

Allele frequency attached by ClinVar (database versions not stated): gnomAD exomes 0.00001; ExAC 0.00002; ESP Exome Variant Server 0.00008.
gnomAD v4.1: 14 of 1,613,304 alleles (0.00087%); highest among the groups gnomAD compares: Admixed American, 0.0067%; no homozygotes.

Submission:

Labcorp Genetics (formerly Invitae), Labcorp
Classification: Uncertain significance. Last evaluated: 2023-12-18. Review status: criteria provided, single submitter. Criteria: Invitae Variant Classification Sherloc (09022015). Collection method: clinical testing. Allele origin: germline.
Comment: This sequence change falls in intron 7 of the IRF4 gene. It does not directly change the encoded amino acid sequence of the IRF4 protein. It affects a nucleotide within the consensus splice site. This variant is present in population databases (rs373569149, gnomAD 0.01%). This variant has not been reported in the literature in individuals affected with IRF4-related conditions. Variants that disrupt the consensus splice site are a relatively common cause of aberrant splicing (PMID: 17576681, 9536098). Algorithms developed to predict the effect of sequence changes on RNA splicing suggest that this variant is not likely to affect RNA splicing. In summary, the available evidence is currently insufficient to determine the role of this variant in disease. Therefore, it has been classified as a Variant of Uncertain Significance.

Literature cited by the submitters: PubMed 17576681; PubMed 9536098.

NM_002460.4(IRF4):c.1099+6G>A

Gene: IRF4 (interferon regulatory factor 4; plus strand). Cytogenetic location: 6p25.3.
Variant type: single nucleotide variant.
Coding change: c.1099+6G>A on transcript NM_002460.4 (MANE Select); 6 bases into the intron after coding-DNA position 1099, G replaced by A.
Molecular consequence: intron variant.
Genome position (GRCh38, 1-based): chr6:401,783, G>A. VCF-style: chr6-401783-G-A. GRCh37 (hg19) VCF-style: chr6-401783-G-A.
Other names: c.1096+6G>A (NM_001195286.2).
Identifiers: ClinVar variation 2957609 (VCV002957609.3), dbSNP rs373569149, ClinGen allele CA3612862.